The following is an entry in ClinVar:

NM_014000.3(VCL):c.2828C>A (p.Pro943His)

Gene: VCL (vinculin; plus strand). Cytogenetic location: 10q22.2.
Variant type: single nucleotide variant.
Coding change: c.2828C>A on transcript NM_014000.3 (MANE Select); coding-DNA position 2828, C replaced by A.
Protein change: p.Pro943His; replaces proline 943 with histidine.
Molecular consequence: missense variant. On other transcripts: intron variant (1).
Genome position (GRCh38, 1-based): chr10:74,111,991, C>A. VCF-style: chr10-74111991-C-A. GRCh37 (hg19) VCF-style: chr10-75871749-C-A.
Other names: c.2746-2193C>A (NM_003373.4); short protein forms P943H.
Identifiers: ClinVar variation 2958010 (VCV002958010.3), dbSNP rs2549235927, ClinGen allele CA377264680.

ClinVar aggregate classification (germline): Uncertain significance (1 of 4 stars; one submission).

Conditions:
Dilated cardiomyopathy 1W (CMD1W). Identifiers: Orphanet 154, MedGen C1969639, MONDO:0012667, OMIM 611407.

Submission:

Labcorp Genetics (formerly Invitae), Labcorp
Classification: Uncertain significance for Dilated cardiomyopathy 1W. Last evaluated: 2022-12-28. Review status: criteria provided, single submitter. Criteria: Invitae Variant Classification Sherloc (09022015). Collection method: clinical testing. Allele origin: germline.
Comment: In summary, the available evidence is currently insufficient to determine the role of this variant in disease. Therefore, it has been classified as a Variant of Uncertain Significance. Algorithms developed to predict the effect of missense changes on protein structure and function are either unavailable or do not agree on the potential impact of this missense change (SIFT: "Not Available"; PolyPhen-2: "Benign"; Align-GVGD: "Not Available"). This variant has not been reported in the literature in individuals affected with VCL-related conditions. This variant is not present in population databases (gnomAD no frequency). This sequence change replaces proline, which is neutral and non-polar, with histidine, which is basic and polar, at codon 943 of the VCL protein (p.Pro943His).